The following is an entry in ClinVar:

NM_005633.4(SOS1):c.62G>T (p.Gly21Val)

Genes: SOS1 (SOS Ras/Rac guanine nucleotide exchange factor 1; minus strand), LOC129933535 (ATAC-STARR-seq lymphoblastoid silent region 11384; plus strand). Cytogenetic location: 2p22.1.
Variant type: single nucleotide variant.
Coding change: c.62G>T on transcript NM_005633.4 (MANE Select); coding-DNA position 62, G replaced by T.
Protein change: p.Gly21Val; replaces glycine 21 with valine.
Molecular consequence: missense variant. On other transcripts: intron variant (1).
Genome position (GRCh38, 1-based): chr2:39,120,361, C>A on the plus strand (G>T on the coding strand, the complement: SOS1 is on the minus strand). VCF-style: chr2-39120361-C-A. GRCh37 (hg19) VCF-style: chr2-39347502-C-A.
Other names: c.66+4303G>T (NM_001382394.1); c.62G>T, p.Gly21Val (NM_001382395.1); short protein forms G21V.
Identifiers: ClinVar variation 3633900 (VCV003633900.2).
Genomic context (GRCh38, chr2:39,120,361, plus strand): 5'-TGCGGCCGGGAAGCGGGGTCCCGCGTGCTCCTCACCTTTTTCAGCGCAGGCACCAGTAGT[C>A]CCCGCCACTTGGGCGCGTTCTCTTCGCTGAAAAACTCGTAGGGCAGCTGCTGCGCCTGCA-3'
Protein context (NP_005624.2, residues 11-31): FSEENAPKWR[Gly21Val]LLVPALKKVQ

ClinVar aggregate classification (germline): Uncertain significance (1 of 4 stars; one submission).

Conditions:
RASopathy. Also called: rasopathies; Noonan spectrum disorder. Identifiers: Orphanet 536391, MedGen C5555857, MONDO:0021060.

Submission:

Labcorp Genetics (formerly Invitae), Labcorp
Classification: Uncertain significance for RASopathy. Last evaluated: 2024-10-10. Review status: criteria provided, single submitter. Criteria: Invitae Variant Classification Sherloc (09022015). Collection method: clinical testing. Allele origin: germline.
Comment: This sequence change replaces glycine, which is neutral and non-polar, with valine, which is neutral and non-polar, at codon 21 of the SOS1 protein (p.Gly21Val). This variant is not present in population databases (gnomAD no frequency). This variant has not been reported in the literature in individuals affected with SOS1-related conditions. Invitae Evidence Modeling of protein sequence and biophysical properties (such as structural, functional, and spatial information, amino acid conservation, physicochemical variation, residue mobility, and thermodynamic stability) indicates that this missense variant is expected to disrupt SOS1 protein function with a positive predictive value of 80%. In summary, the available evidence is currently insufficient to determine the role of this variant in disease. Therefore, it has been classified as a Variant of Uncertain Significance.